The following is an entry in ClinVar:

NM_000352.6(ABCC8):c.4119+93G>T

Gene: ABCC8 (ATP binding cassette subfamily C member 8; minus strand). Cytogenetic location: 11p15.1.
Variant type: single nucleotide variant.
Coding change: c.4119+93G>T on transcript NM_000352.6 (MANE Select); 93 bases into the intron after coding-DNA position 4119, G replaced by T.
Molecular consequence: intron variant.
Genome position (GRCh38, 1-based): chr11:17,396,823, C>A on the plus strand (G>T on the coding strand, the complement: ABCC8 is on the minus strand). VCF-style: chr11-17396823-C-A. GRCh37 (hg19) VCF-style: chr11-17418370-C-A.
Other names: c.4116+93G>T (NM_001351297.2); c.4119+93G>T (NM_001351296.2); c.4185+93G>T (NM_001351295.2); c.4122+93G>T (NM_001287174.3).
Identifiers: ClinVar variation 1177452 (VCV001177452.8), dbSNP rs4148644, ClinGen allele CA13410946.

ClinVar aggregate classification (germline): Conflicting classifications of pathogenicity. Review status: criteria provided, conflicting classifications (1 of 4 stars). 9 submissions from 5 submitters: Uncertain significance (1); Benign (2); Likely benign (6). Last evaluated 2025-09-10.

Conditions:
Transitory neonatal diabetes mellitus. Also called: Transient neonatal diabetes mellitus. Identifiers: MedGen C0342273, MONDO:0020525, HP:0008255.
Maturity-onset diabetes of the young (MODY). Also called: Maturity onset diabetes mellitus in young. Identifiers: Orphanet 552, MedGen C0342276, MONDO:0018911, HP:0004904.
Diabetes mellitus, permanent neonatal 3. Also called: ABCC8-Related Permanent Neonatal Diabetes Mellitus. Identifiers: MedGen C5394303, MONDO:0030088, OMIM 618857.
Diabetes mellitus, transient neonatal, 2 (TNDM2). Identifiers: Orphanet 99886, MedGen C1835887, MONDO:0012480, OMIM 610374. Disease mechanism: loss of function.
Leucine-induced hypoglycemia (LIH). Also called: LEUCINE-SENSITIVE HYPOGLYCEMIA OF INFANCY. Identifiers: MedGen C0271714, MONDO:0009415, OMIM 240800.
Hyperinsulinemic hypoglycemia, familial, 1 (HHF1). Also called: Persistent hyperinsulinemic hypoglycemia of infancy; HYPERINSULINISM, FAMILIAL, WITH PANCREATIC NESIDIOBLASTOSIS; HYPOGLYCEMIA, HYPERINSULINEMIC, OF INFANCY; NESIDIOBLASTOSIS OF PANCREAS; Persistent Hyperinsulinemia Hypoglycemia of Infancy. Identifiers: Orphanet 276575, Orphanet 276598, MedGen C2931832, MONDO:0009734, OMIM 256450.

Allele frequency attached by ClinVar (database versions not stated): gnomAD exomes 0.19675; gnomAD 0.21167 and 0.21307; 1000 Genomes Project 0.21585; TOPMed 0.22110; 1000 Genomes Project 30x 0.22174.
gnomAD v4.1: 300,774 of 1,518,302 alleles (20%); highest among the groups gnomAD compares: African/African-American, 28%; 31,212 homozygotes.

Submissions (9):

Genomic Medicine Center of Excellence, King Faisal Specialist Hospital and Research Centre
Classification: Likely benign for Hyperinsulinemic hypoglycemia, familial, 1. Last evaluated: 2025-09-10. Review status: criteria provided, single submitter. Criteria: ACMG Guidelines, 2015. Collection method: clinical testing. Allele origin: germline.

Pars Genome Lab
Classification: Likely benign for Leucine-induced hypoglycemia. Last evaluated: 2021-07-01. Review status: criteria provided, single submitter. Criteria: ACMG Guidelines, 2015. Collection method: clinical testing. Allele origin: germline. Affected: no.

Pars Genome Lab
Classification: Likely benign for Hyperinsulinemic hypoglycemia, familial, 1. Last evaluated: 2021-07-01. Review status: criteria provided, single submitter. Criteria: ACMG Guidelines, 2015. Collection method: clinical testing. Allele origin: germline. Affected: no.

Pars Genome Lab
Classification: Likely benign for Diabetes mellitus, transient neonatal, 2. Last evaluated: 2021-07-01. Review status: criteria provided, single submitter. Criteria: ACMG Guidelines, 2015. Collection method: clinical testing. Allele origin: germline. Affected: no.

Pars Genome Lab
Classification: Likely benign for Diabetes mellitus, permanent neonatal 3. Last evaluated: 2021-07-01. Review status: criteria provided, single submitter. Criteria: ACMG Guidelines, 2015. Collection method: clinical testing. Allele origin: germline. Affected: no.

GeneDx
Classification: Benign. Last evaluated: 2018-08-09. Review status: criteria provided, single submitter. Criteria: GeneDx Variant Classification Process June 2021. Collection method: clinical testing. Allele origin: germline. Affected: yes.

Breakthrough Genomics
Classification: Likely benign. Review status: criteria provided, single submitter. Criteria: ACMG Guidelines, 2015. Collection method: not provided. Allele origin: germline. Inheritance: Autosomal recessive inheritance. Affected: yes.

Clinical Genomics, Uppaluri K&H Personalized Medicine Clinic
Classification: Benign for Maturity-onset diabetes of the young. Review status: criteria provided, single submitter. Criteria: K & H Uppaluri Personalized Medicine Clinic Variant Classification & Assertion Criteria_Updated V.1. Collection method: research. Allele origin: unknown. Inheritance: Autosomal dominant inheritance.
Comment: Mutations in ABCC8 gene are associated with both neonatal diabetes mellitus as well as MODY. Patients with this mutation may have a better response to sulfonylureas. However, no sufficient evidence is found to ascertain the role of this particular variant ( rs4148644) in MODY yet.

Clinical Genomics, Uppaluri K&H Personalized Medicine Clinic
Classification: Uncertain significance for Transitory neonatal diabetes mellitus. Review status: criteria provided, single submitter. Criteria: K & H Uppaluri Personalized Medicine Clinic Variant Classification & Assertion Criteria_Updated V.1. Collection method: research. Allele origin: unknown.
Comment: Mutations in ABCC8 gene are associated with both neonatal diabetes mellitus as well as MODY. Patients with this mutation may have a better response to sulfonylureas. However, no sufficient evidence is found to ascertain the role of this particular variant (rs4148644) in neonatal diabetes yet.

Literature cited by the submitters: PubMed 16885549 (cited by Clinical Genomics, Uppaluri K&H Personalized Medicine Clinic); PubMed 21989597 (cited by Clinical Genomics, Uppaluri K&H Personalized Medicine Clinic); PubMed 27538677 (cited by Clinical Genomics, Uppaluri K&H Personalized Medicine Clinic); PubMed 18981553 (cited by Clinical Genomics, Uppaluri K&H Personalized Medicine Clinic); PubMed 32027066 (cited by Clinical Genomics, Uppaluri K&H Personalized Medicine Clinic); PubMed 18025408 (cited by Clinical Genomics, Uppaluri K&H Personalized Medicine Clinic); PubMed 32792356 (cited by Clinical Genomics, Uppaluri K&H Personalized Medicine Clinic).